The following is an entry in ClinVar:

NM_003803.4(MYOM1):c.155C>T (p.Ala52Val)

Gene: MYOM1 (myomesin 1; minus strand). Cytogenetic location: 18p11.31.
Variant type: single nucleotide variant.
Coding change: c.155C>T on transcript NM_003803.4 (MANE Select); coding-DNA position 155, C replaced by T.
Protein change: p.Ala52Val; replaces alanine 52 with valine.
Molecular consequence: missense variant.
Genome position (GRCh38, 1-based): chr18:3,215,069, G>A on the plus strand (C>T on the coding strand, the complement: MYOM1 is on the minus strand). VCF-style: chr18-3215069-G-A. GRCh37 (hg19) VCF-style: chr18-3215067-G-A.
Other names: c.155C>T, p.Ala52Val (NM_019856.2); short protein forms A52V.
Identifiers: ClinVar variation 2562742 (VCV002562742.2), dbSNP rs2510750906, ClinGen allele CA401718168.
Genomic context (GRCh38, chr18:3,215,069, plus strand): 5'-TGCTGCTGGGAGGAGGAGGCGGACGCCCGACGGAAGGCCTCGGACTCCCGGCGGTGCGCG[G>A]CGGAGGAGCGGCTGCTGTAGGCCGTGGAGCCCTGGGTGTAGACGGCGGAGCGTTTCTTCT-3'
Protein context (NP_003794.3, residues 42-62): GSTAYSSRSS[Ala52Val]AHRRESEAFR

ClinVar aggregate classification (germline): Uncertain significance (1 of 4 stars; one submission).

Submission:

Ambry Genetics
Classification: Uncertain significance. Last evaluated: 2023-05-11. Review status: criteria provided, single submitter. Criteria: Ambry Variant Classification Scheme 2023. Collection method: clinical testing. Allele origin: germline.
Comment: The p.A52V variant (also known as c.155C>T), located in coding exon 1 of the MYOM1 gene, results from a C to T substitution at nucleotide position 155. The alanine at codon 52 is replaced by valine, an amino acid with similar properties. This amino acid position is conserved. In addition, this alteration is predicted to be tolerated by in silico analysis. Since supporting evidence is limited at this time, the clinical significance of this alteration remains unclear.